The following is an entry in ClinVar:

ClinVar aggregate classification (germline): Uncertain significance (1 of 4 stars; one submission).

Conditions:
EGFR-related lung cancer (EGFR). Identifiers: MedGen CN130014.

Submission:

Labcorp Genetics (formerly Invitae), Labcorp
Classification: Uncertain significance for EGFR-related lung cancer. Last evaluated: 2024-05-06. Review status: criteria provided, single submitter. Criteria: Invitae Variant Classification Sherloc (09022015). Collection method: clinical testing. Allele origin: germline.
Comment: This sequence change replaces valine, which is neutral and non-polar, with methionine, which is neutral and non-polar, at codon 1133 of the EGFR protein (p.Val1133Met). This variant is not present in population databases (gnomAD no frequency). This variant has not been reported in the literature in individuals affected with EGFR-related conditions. ClinVar contains an entry for this variant (Variation ID: 2123058). Algorithms developed to predict the effect of missense changes on protein structure and function output the following: SIFT: "Not Available"; PolyPhen-2: "Benign"; Align-GVGD: "Not Available". The methionine amino acid residue is found in multiple mammalian species, which suggests that this missense change does not adversely affect protein function. In summary, the available evidence is currently insufficient to determine the role of this variant in disease. Therefore, it has been classified as a Variant of Uncertain Significance.

NM_005228.5(EGFR):c.3397G>A (p.Val1133Met)

Gene: EGFR (epidermal growth factor receptor; plus strand). Cytogenetic location: 7p11.2.
Variant type: single nucleotide variant.
Coding change: c.3397G>A on transcript NM_005228.5 (MANE Select); coding-DNA position 3397, G replaced by A.
Protein change: p.Val1133Met; replaces valine 1133 with methionine.
Molecular consequence: missense variant.
Genome position (GRCh38, 1-based): chr7:55,205,381, G>A. VCF-style: chr7-55205381-G-A. GRCh37 (hg19) VCF-style: chr7-55273074-G-A.
Other names: c.3262G>A, p.Val1088Met (NM_001346899.2); c.3238G>A, p.Val1080Met (NM_001346900.2); c.2596G>A, p.Val866Met (NM_001346941.2); short protein forms V1080M, V1088M, V1133M, V866M.
Identifiers: ClinVar variation 2123058 (VCV002123058.4), dbSNP rs2128975290, ClinGen allele CA367584529.